The following is an entry in ClinVar:

ClinVar aggregate classification (germline): Pathogenic/Likely pathogenic. Review status: criteria provided, multiple submitters, no conflicts (2 of 4 stars). 2 submissions from 2 submitters: Pathogenic (1); Likely pathogenic (1). Last evaluated 2025-12-03.

Conditions:
Cardiac malformation, cleft lip/palate, microcephaly, and digital anomalies. Also called: CLEFT PALATE, CARDIAC DEFECTS, AND IMPAIRED INTELLECTUAL DEVELOPMENT. Identifiers: MedGen C1832950, MONDO:0010970, OMIM 600987.

Submissions (2):

Human Genetics Bochum, Ruhr University Bochum
Classification: Likely pathogenic for Cardiac malformation, cleft lip/palate, microcephaly, and digital anomalies. Last evaluated: 2025-12-03. Review status: criteria provided, single submitter. Criteria: ACMG Guidelines, 2015. Collection method: clinical testing. Allele origin: germline. Affected: yes.
Comment: ACMG criteria used to clasify this variant: PVS1, PM2_SUP

GeneDx
Classification: Pathogenic. Last evaluated: 2025-04-25. Review status: criteria provided, single submitter. Criteria: GeneDx Variant Classification Process June 2021. Collection method: clinical testing. Allele origin: germline. Affected: yes.
Comment: Nonsense variant predicted to result in protein truncation or nonsense mediated decay in a gene for which loss of function is a known mechanism of disease; Not observed at significant frequency in large population cohorts (gnomAD); Has not been previously published as pathogenic or benign to our knowledge; This variant is associated with the following publications: (PMID: 27535533)

NM_170675.5(MEIS2):c.655C>T (p.Arg219Ter)

Gene: MEIS2 (Meis homeobox 2; minus strand). Cytogenetic location: 15q14.
Variant type: single nucleotide variant.
Coding change: c.655C>T on transcript NM_170675.5 (MANE Select); coding-DNA position 655, C replaced by T.
Protein change: p.Arg219Ter; replaces arginine 219 with a stop codon.
Molecular consequence: nonsense. On other transcripts: non-coding transcript variant (1).
Genome position (GRCh38, 1-based): chr15:37,083,870, G>A on the plus strand (C>T on the coding strand, the complement: MEIS2 is on the minus strand). VCF-style: chr15-37083870-G-A. GRCh37 (hg19) VCF-style: chr15-37376071-G-A.
Other names: c.655C>T, p.Arg219Ter (NM_001220482.2, NM_170674.5, NM_170676.5 and 1 more transcripts); c.616C>T, p.Arg206Ter (NM_002399.4, NM_172315.3); c.391C>T, p.Arg131Ter (NM_172316.3); short protein forms R131*, R206*, R219*.
Identifiers: ClinVar variation 1219300 (VCV001219300.6), dbSNP rs2141918318, ClinGen allele CA391927425.
Genomic context (GRCh38, chr15:37,083,870, plus strand): 5'-CCCCACTGGAGGGCCCTGGGGTGCCTGCTGAGTGGGTTGAGGTTGCATCATCGTGGTCTC[G>A]CCAAGAAGAAGGGTTCTGATGTCAGGATACCAAGGAATTTTTCCACAGTTACCATTTCAG-3'